The following is an entry in ClinVar:

NC_000009.11:g.(?_137664616)_(137734149_?)del

Gene: COL5A1 (collagen type V alpha 1 chain; plus strand). Cytogenetic location: 9q34.3.
Variant type: Deletion.
Identifiers: ClinVar variation 2422351 (VCV002422351.7).

ClinVar aggregate classification (germline): Pathogenic (1 of 4 stars; one submission).

Conditions:
Ehlers-Danlos syndrome, classic type, 1 (EDSCL1). Also called: EDS I; EHLERS-DANLOS SYNDROME, GRAVIS TYPE; EHLERS-DANLOS SYNDROME, SEVERE CLASSIC TYPE; Ehlers-Danlos syndrome, type 1; Ehlers-Danlos Syndrome, Classic Type, COL5A1-Related. Identifiers: MedGen C0268335, MONDO:0019567, OMIM 130000.

Submission:

Labcorp Genetics (formerly Invitae), Labcorp
Classification: Pathogenic for Ehlers-Danlos syndrome, classic type, 1. Last evaluated: 2022-08-24. Review status: criteria provided, single submitter. Criteria: Invitae Variant Classification Sherloc (09022015). Collection method: clinical testing. Allele origin: germline.
Comment: For these reasons, this variant has been classified as Pathogenic. This variant disrupts a region of the COL5A1 protein in which other variant(s) (p.Gly1372Arg) have been determined to be pathogenic (PMID: 33656776; Invitae). This suggests that this is a clinically significant region of the protein, and that variants that disrupt it are likely to be disease-causing. A similar copy number variant has been observed in individual(s) with Ehlers-Danlos syndrome (Invitae). This variant is a gross deletion of the genomic region encompassing exon(s) 26-66 of the COL5A1 gene, which includes the termination codon. This deletion extends beyond the assayed region for this gene and therefore may encompass additional genes. While this deletion is not anticipated to lead to nonsense mediated decay, it is expected to alter mRNA translation or result in a truncated protein product.

Literature cited by the submitters: PubMed 33656776.